The following is an entry in ClinVar:

ClinVar aggregate classification (germline): Likely benign (1 of 4 stars; one submission).

Conditions:
MPI-related disorder. Also called: MPI-related condition.

Submission:

PreventionGenetics, part of Exact Sciences
Classification: Likely benign for MPI-related condition. Last evaluated: 2026-03-19. Review status: criteria provided, single submitter. Criteria: ACMG Guidelines, 2015. Collection method: clinical testing. Allele origin: germline.
Comment: This variant is classified as likely benign based on ACMG/AMP sequence variant interpretation guidelines (Richards et al. 2015 PMID: 25741868, with internal and published modifications).

NM_002435.3(MPI):c.-6dup

Gene: MPI (mannose phosphate isomerase; plus strand). Cytogenetic location: 15q24.1.
Variant type: Duplication.
Coding change: c.-6dup on transcript NM_002435.3 (MANE Select); 6 bases upstream of the start codon, one base duplicated (G; older notation c.-6dupG).
Molecular consequence: 5 prime UTR variant.
Genome position (GRCh38, 1-based): chr15:74,890,068, G duplicated; the last of 5 consecutive G bases (chr15:74,890,064-74,890,068); duplicating any one gives the same sequence. VCF-style (leftmost placement, unchanged base first): chr15-74890063-A-AG. GRCh37 (hg19) VCF-style: chr15-75182404-A-AG.
Other names: c.-6dup (NM_001289155.2, NM_001289157.2); c.-28dup (NM_001289156.2); c.-155dup (NM_001330372.2).
Identifiers: ClinVar variation 4987161 (VCV004987161.1).